The following is an entry in ClinVar:

ClinVar aggregate classification (germline): Uncertain significance (1 of 4 stars; one submission).

Conditions:
Hypertrophic cardiomyopathy. Also called: HYPERTROPHIC MYOCARDIOPATHY. Identifiers: Orphanet 217569, MedGen C0007194, MeSH D002312, MONDO:0005045, HP:0001639.

Allele frequency attached by ClinVar (database versions not stated): gnomAD exomes below 0.00001; TOPMed below 0.00001.
gnomAD v4.1: 1 of 1,613,980 alleles (0.000062%); highest among the groups gnomAD compares: Admixed American, 0.0017%; no homozygotes.

Submission:

All of Us Research Program, National Institutes of Health
Classification: Uncertain significance for Hypertrophic cardiomyopathy. Last evaluated: 2023-12-13. Review status: criteria provided, single submitter. Criteria: ACMG Guidelines, 2015. Collection method: clinical testing. Allele origin: germline. Inheritance: Autosomal dominant inheritance. Observed: 1 variant allele, 1 heterozygote.
Comment: This variant causes a G to A nucleotide substitution at the +5 position of intron 5 of the TPM1 gene. Splice site prediction tools suggest that this variant may have a significant impact on RNA splicing. To our knowledge, functional studies have not been reported for this variant. This variant has not been reported in individuals affected with TPM1-related disorders in the literature. This variant has not been identified in the general population by the Genome Aggregation Database (gnomAD). The available evidence is insufficient to determine the role of this variant in disease conclusively. Therefore, this variant is classified as a Variant of Uncertain Significance.

This study involves interpretation of variants in research participants for the purpose of population health screening. Participant phenotype was not available at the time of variant classification. Additional details can be found in publication PMID: 35346344, PMCID: PMC8962531

NM_001018005.2(TPM1):c.563+5G>A

Gene: TPM1 (tropomyosin 1; plus strand). Cytogenetic location: 15q22.2.
Variant type: single nucleotide variant.
Coding change: c.563+5G>A on transcript NM_001018005.2 (MANE Select); 5 bases into the intron after coding-DNA position 563, G replaced by A.
Molecular consequence: intron variant.
Genome position (GRCh38, 1-based): chr15:63,060,944, G>A. VCF-style: chr15-63060944-G-A. GRCh37 (hg19) VCF-style: chr15-63353143-G-A.
Other names: c.455+5G>A (NM_001407342.1, NM_001365782.1, NM_001330346.2 and 9 more transcripts); c.563+5G>A (NM_001407332.1, NM_001407325.1, NM_001407330.1 and 20 more transcripts); c.689+5G>A (NM_001365778.1, NM_001407323.1, NM_001407322.1 and 1 more transcripts).
Identifiers: ClinVar variation 3074921 (VCV003074921.1), dbSNP rs2035532119, ClinGen allele CA2182494611.